The following is an entry in ClinVar:

NM_145239.3(PRRT2):c.1007del (p.Asn335_Leu336insTer)

Genes: MVP-DT (MVP divergent transcript; minus strand), PRRT2 (proline rich transmembrane protein 2; plus strand). Cytogenetic location: 16p11.2.
Variant type: Deletion.
Coding change: c.1007del on transcript NM_145239.3 (MANE Select); coding-DNA position 1007, one base deleted (T; older notation c.1007delT).
Protein change: p.Asn335_Leu336insTer.
Molecular consequence: nonsense. On other transcripts: 3 prime UTR variant (1).
Genome position (GRCh38, 1-based): chr16:29,814,460, T deleted; the last of 2 consecutive T bases (chr16:29,814,459-29,814,460); deleting either gives the same sequence. VCF-style (leftmost placement, unchanged base first): chr16-29814458-CT-C. GRCh37 (hg19) VCF-style: chr16-29825779-CT-C.
Other names: c.1007del, p.Asn335_Leu336insTer (NM_001256442.2); c.*506del (NM_001256443.2).
Identifiers: ClinVar variation 2055376 (VCV002055376.4), dbSNP rs2543339470, ClinGen allele CA2580091525.

ClinVar aggregate classification (germline): Pathogenic (1 of 4 stars; one submission).

Conditions:
Episodic kinesigenic dyskinesia (EKD). Also called: Paroxysmal kinesigenic dyskinesia. Identifiers: Orphanet 98809, MedGen C1868682, MONDO:0044202.

Submission:

Labcorp Genetics (formerly Invitae), Labcorp
Classification: Pathogenic for Episodic kinesigenic dyskinesia. Last evaluated: 2022-03-03. Review status: criteria provided, single submitter. Criteria: Invitae Variant Classification Sherloc (09022015). Collection method: clinical testing. Allele origin: germline.
Comment: For these reasons, this variant has been classified as Pathogenic. Experimental studies and prediction algorithms are not available or were not evaluated, and the functional significance of this variant is currently unknown. This premature translational stop signal has been observed in individual(s) with clinical features of PRRT2-related conditions (Invitae). In at least one individual the variant was observed to be de novo. This variant is not present in population databases (gnomAD no frequency). This sequence change creates a premature translational stop signal (p.Leu336*) in the PRRT2 gene. While this is not anticipated to result in nonsense mediated decay, it is expected to disrupt the last 5 amino acid(s) of the PRRT2 protein.